The following is an entry in ClinVar:

NM_000075.4(CDK4):c.866del (p.Ala289fs)

Genes: CDK4 (cyclin dependent kinase 4; minus strand), TSPAN31 (tetraspanin 31; plus strand). Cytogenetic location: 12q14.1.
Variant type: Deletion.
Coding change: c.866del on transcript NM_000075.4 (MANE Select); coding-DNA position 866, one base deleted (C; older notation c.866delC).
Protein change: p.Ala289fs; shifts the reading frame from alanine 289.
Molecular consequence: frameshift variant. On other transcripts: 3 prime UTR variant (3).
Genome position (GRCh38, 1-based): chr12:57,748,571, G deleted on the plus strand (C on the coding strand, the reverse complement: CDK4 is on the minus strand). VCF-style (leftmost placement, unchanged base first): chr12-57748570-AG-A. GRCh37 (hg19) VCF-style: chr12-58142353-AG-A.
Other names: c.*1281del (NM_001330168.2, NM_001330169.2, NM_005981.5); short protein forms A289fs.
Identifiers: ClinVar variation 822640 (VCV000822640.4), dbSNP rs1595107751, ClinGen allele CA915948422.

ClinVar aggregate classification (germline): Uncertain significance (1 of 4 stars; one submission).

Conditions:
Hereditary cancer-predisposing syndrome. Also called: Tumor predisposition; Hereditary Cancer Syndrome; Neoplastic Syndromes, Hereditary; Hereditary neoplastic syndrome. Identifiers: Orphanet 140162, MedGen C0027672, MeSH D009386, MONDO:0015356.

Submission:

Ambry Genetics
Classification: Uncertain significance for Hereditary cancer-predisposing syndrome. Last evaluated: 2018-06-21. Review status: criteria provided, single submitter. Criteria: Ambry Variant Classification Scheme 2023. Collection method: clinical testing. Allele origin: germline.
Comment: The c.866delC variant, located in coding exon 7 of the CDK4 gene, results from a deletion of one nucleotide at nucleotide position 866, causing a translational frameshift with a predicted alternate stop codon (p.A289Vfs*35). This alteration results in the modification of the last 15 residues of the CDK4 protein, and extension by 19 additional residues. Frameshifts are typically deleterious in nature, however, this frameshift occurs at the 3' terminus of CDK4, is not expected to trigger nonsense-mediated mRNA decay, and results in the modification of the last 15 residues of the CDK4 protein, and the elongation of the protein by 19 amino acids. The exact functional impact of these inserted amino acids is unknown at this time. Since supporting evidence is limited at this time, the clinical significance of this alteration remains unclear.